The following is an entry in ClinVar:

ClinVar aggregate classification (germline): Uncertain significance/Uncertain risk allele. Review status: criteria provided, multiple submitters, no conflicts (2 of 4 stars). 3 submissions from 3 submitters: Uncertain significance (1); Uncertain risk allele (1). 1 of the submissions does not count toward it. Last evaluated 2017-06-26.

Conditions:
Monogenic diabetes. Identifiers: Orphanet 183625, MedGen C3888631, MONDO:0015967.
HNF1B-related disorder. Also called: HNF1B-related condition; HNF1B-related disorders.
Maturity-onset diabetes of the young (MODY). Also called: Maturity onset diabetes mellitus in young. Identifiers: Orphanet 552, MedGen C0342276, MONDO:0018911, HP:0004904.

Submissions (3):

Personalized Diabetes Medicine Program, University of Maryland School of Medicine
Classification: Uncertain significance for Monogenic diabetes. Last evaluated: 2017-06-26. Review status: criteria provided, single submitter. Criteria: ACMG Guidelines, 2015. Collection method: research. Allele origin: unknown. Observed: 1 variant allele, 1 heterozygote. Study: Personalized Diabetes Medicine Program.
Comment: ACMG Criteria:PP3 (7 predictors), BP4 (2 predictors), PM2 (absent in database)

Clinical Genomics, Uppaluri K&H Personalized Medicine Clinic
Classification: Uncertain risk allele for Maturity-onset diabetes of the young. Review status: criteria provided, single submitter. Criteria: K & H Uppaluri Personalized Medicine Clinic Variant Classification & Assertion Criteria_Updated V.1. Collection method: research. Allele origin: unknown. Inheritance: Autosomal dominant inheritance.
Comment: HNF1B gene mutations are associated with early onset diabetes and pancreatic atrophy. It is also associated with multiple renal manifestations including renal cysts, Tubulointerstitial disease, glomerulocystic disease, renal hypoplasia, hypomagnesemia. However no sufficient evidence is found to ascertain the role of this particular variant rs1555833051, yet.

PreventionGenetics, part of Exact Sciences
Classification: Uncertain significance for HNF1B-related condition. Last evaluated: 2024-06-11. Review status: no assertion criteria provided. Collection method: clinical testing. Allele origin: germline. Not counted in ClinVar's aggregate classification.
Comment: The HNF1B c.262A>G variant is predicted to result in the amino acid substitution p.Thr88Ala. This variant has been reported in an individual with type 2 diabetes however, in vitro functional assays suggest this variant has HNF-1B activity similar to control (Figure 3, Pavithram et al. 2024. PubMed ID: 38575066). This variant has not been reported in a large population database, indicating this variant is rare. Although we suspect that this variant may be benign, at this time, the clinical significance of this variant is uncertain due to the absence of conclusive functional and genetic evidence.

Literature cited by the submitters: PubMed 24897035 (cited by Clinical Genomics, Uppaluri K&H Personalized Medicine Clinic); PubMed 25536396 (cited by Clinical Genomics, Uppaluri K&H Personalized Medicine Clinic); PubMed 27615128 (cited by Clinical Genomics, Uppaluri K&H Personalized Medicine Clinic); PubMed 28215227 (cited by Clinical Genomics, Uppaluri K&H Personalized Medicine Clinic); PubMed 33434175 (cited by Clinical Genomics, Uppaluri K&H Personalized Medicine Clinic); PubMed 25741167 (cited by Clinical Genomics, Uppaluri K&H Personalized Medicine Clinic); PubMed 26340261 (cited by Clinical Genomics, Uppaluri K&H Personalized Medicine Clinic); PubMed 19639018 (cited by Clinical Genomics, Uppaluri K&H Personalized Medicine Clinic).

NM_000458.4(HNF1B):c.262A>G (p.Thr88Ala)

Gene: HNF1B (HNF1 homeobox B; minus strand). Cytogenetic location: 17q12.
Variant type: single nucleotide variant.
Coding change: c.262A>G on transcript NM_000458.4 (MANE Select); coding-DNA position 262, A replaced by G.
Protein change: p.Thr88Ala; replaces threonine 88 with alanine.
Molecular consequence: missense variant.
Genome position (GRCh38, 1-based): chr17:37,744,623, T>C on the plus strand (A>G on the coding strand, the complement: HNF1B is on the minus strand). VCF-style: chr17-37744623-T-C. GRCh37 (hg19) VCF-style: chr17-36104614-T-C.
Other names: c.262A>G, p.Thr88Ala (NM_001165923.4, NM_001304286.2); short protein forms T88A.
Identifiers: ClinVar variation 549547 (VCV000549547.4), dbSNP rs1555833051, ClinGen allele CA398753475.
Genomic context (GRCh38, chr17:37,744,623, plus strand): 5'-CCCGCTGCTCCGCCGCCTCCTCGGTGTTGAGCGCCTGCAGCTCCTTGAGGATGGGAGGTG[T>C]GTCATAGTCGTCGCCGTCCTCGGAGCCCTCGTCGCCGGACAAGCGGCCCTTGGCGTGGCC-3'
Protein context (NP_000449.1, residues 78-98): EGSEDGDDYD[Thr88Ala]PPILKELQAL